The following is an entry in ClinVar:

NC_000020.10:g.(?_44746952)_(44758498_?)del

Gene: CD40 (CD40 molecule; plus strand). Cytogenetic location: 20q13.12.
Variant type: Deletion.
Identifiers: ClinVar variation 4848600 (VCV004848600.1).

ClinVar aggregate classification (germline): Pathogenic (1 of 4 stars; one submission).

Conditions:
Hyper-IgM syndrome type 3. Also called: Hyper-IgM Immunodeficiency Syndrome, Type 3. Identifiers: Orphanet 101090, MedGen C1720957, MONDO:0011735, OMIM 606843.

Submission:

Women's Health and Genetics/Laboratory Corporation of America, LabCorp
Classification: Pathogenic for Hyper-IgM syndrome type 3. Last evaluated: 2026-04-28. Review status: criteria provided, single submitter. Criteria: LabCorp Variant Classification Summary - May 2015. Collection method: clinical testing. Allele origin: germline.
Comment: Variant summary: The variant involves the deletion of exons 1-9 in the CD40 gene. A presumed nomenclature of c.(?_-31)_(*819_?)del has been designated for the purposes of this classification. This deletion includes the entire coding sequence of the gene. As the exact proximal and distal breakpoints are unknown, it may extend beyond the annotated region of the gene to include other flanking genes. Loss-of-function variants in this gene are known to be pathogenic. The variant was absent in 21542 control chromosomes. To our knowledge, no occurrence of c.(?_-31)_(*819_?)del in individuals affected with CD40-related conditions and no experimental evidence demonstrating its impact on protein function have been reported. No submitters have cited clinical-significance assessments for this variant to ClinVar. Based on the evidence outlined above, the variant was classified as pathogenic.